The following is an entry in ClinVar:

NM_000535.7(PMS2):c.1593_1610dup (p.His532_Glu537dup)

Gene: PMS2 (PMS1 homolog 2, mismatch repair system component; minus strand). Cytogenetic location: 7p22.1.
Variant type: Duplication.
Coding change: c.1593_1610dup on transcript NM_000535.7 (MANE Select); coding-DNA positions 1593 to 1610, 18 bases duplicated (ACATGTGGACTCTCAGGA).
Protein change: p.His532_Glu537dup.
Molecular consequence: inframe insertion. On other transcripts: non-coding transcript variant (1).
Genome position (GRCh38, 1-based): chr7:5,987,155-5,987,172, TCCTGAGAGTCCACATGT duplicated on the plus strand (ACATGTGGACTCTCAGGA on the coding strand, the reverse complement: PMS2 is on the minus strand); duplicating any 18 consecutive bases within chr7:5,987,155-5,987,177 gives the same sequence; the c. name uses the placement nearest the transcript's 3' end. VCF-style (leftmost placement, unchanged base first): chr7-5987154-C-CTCCTGAGAGTCCACATGT. GRCh37 (hg19) VCF-style: chr7-6026785-C-CTCCTGAGAGTCCACATGT.
Other names: c.1593_1610dup18 (NM_000535.6); c.1593_1610dupACATGTGGACTCTCAGGA (NM_000535.6, NM_000535.5, NM_000535.7); c.1188_1205dup, p.His397_Glu402dup (NM_001322003.2, NM_001322004.2, NM_001322005.2 and 1 more transcripts); c.1437_1454dup, p.His480_Glu485dup (NM_001322006.2); c.1275_1292dup, p.His426_Glu431dup (NM_001322007.2, NM_001322008.2); c.1032_1049dup, p.His345_Glu350dup (NM_001322010.2); c.660_677dup, p.His221_Glu226dup (NM_001322011.2, NM_001322012.2); c.1020_1037dup, p.His341_Glu346dup (NM_001322013.2); and 2 more.
Identifiers: ClinVar variation 127764 (VCV000127764.27), dbSNP rs587780043, ClinGen allele CA287584.

ClinVar aggregate classification (germline): Conflicting classifications of pathogenicity. Review status: criteria provided, conflicting classifications (1 of 4 stars). 11 submissions from 10 submitters: Uncertain significance (9); Likely benign (1). 1 of the submissions does not count toward it. Last evaluated 2025-07-16.

Conditions:
Hereditary nonpolyposis colorectal neoplasms. Identifiers: MedGen C0009405, MeSH D003123.
Lynch syndrome. Identifiers: Orphanet 144, MedGen C4552100, MONDO:0005835. Disease mechanism: loss of function.
Lynch syndrome 4 (LYNCH4). Also called: Colorectal cancer, hereditary nonpolyposis, type 4; Hereditary non-polyposis colorectal cancer, type 4. Identifiers: Orphanet 144, MedGen C1838333, MONDO:0013699, OMIM 614337. Disease mechanism: loss of function.
PMS2-related disorder. Also called: PMS2-related condition.
Hereditary cancer-predisposing syndrome. Also called: Tumor predisposition; Hereditary neoplastic syndrome; Neoplastic Syndromes, Hereditary; Hereditary Cancer Syndrome. Identifiers: Orphanet 140162, MedGen C0027672, MeSH D009386, MONDO:0015356.

Submissions (11):

Ambry Genetics
Classification: Likely benign for Hereditary cancer-predisposing syndrome. Last evaluated: 2025-07-16. Review status: criteria provided, single submitter. Criteria: Ambry Variant Classification Scheme 2023. Collection method: clinical testing. Allele origin: germline.

Labcorp Genetics (formerly Invitae), Labcorp
Classification: Uncertain significance for Hereditary nonpolyposis colorectal neoplasms. Last evaluated: 2024-12-30. Review status: criteria provided, single submitter. Criteria: Invitae Variant Classification Sherloc (09022015). Collection method: clinical testing. Allele origin: germline.
Comment: This variant, c.1593_1610dup, results in the insertion of 6 amino acid(s) of the PMS2 protein (p.His532_Glu537dup), but otherwise preserves the integrity of the reading frame. This variant is not present in population databases (gnomAD no frequency). This variant has not been reported in the literature in individuals affected with PMS2-related conditions. ClinVar contains an entry for this variant (Variation ID: 127764). Experimental studies and prediction algorithms are not available or were not evaluated, and the functional significance of this variant is currently unknown. In summary, the available evidence is currently insufficient to determine the role of this variant in disease. Therefore, it has been classified as a Variant of Uncertain Significance.

All of Us Research Program, National Institutes of Health
Classification: Uncertain significance for Lynch syndrome. Last evaluated: 2024-07-29. Review status: criteria provided, single submitter. Criteria: ACMG Guidelines, 2015. Collection method: clinical testing. Allele origin: germline. Inheritance: Autosomal dominant inheritance. Observed: 3 variant alleles, 3 heterozygotes.
Comment: This variant causes an in-frame duplication of six amino acids of the PMS2 protein. To our knowledge, functional studies have not been reported for this variant. This variant has not been reported in individuals affected with PMS2-related disorders in the literature. This variant has not been identified in the general population by the Genome Aggregation Database (gnomAD). The available evidence is insufficient to determine the role of this variant in disease conclusively. Therefore, this variant is classified as a Variant of Uncertain Significance.

This study involves interpretation of variants in research participants for the purpose of population health screening. Participant phenotype was not available at the time of variant classification. Additional details can be found in publication PMID: 35346344, PMCID: PMC8962531

Color Diagnostics, LLC DBA Color Health
Classification: Uncertain significance for Hereditary cancer-predisposing syndrome. Last evaluated: 2024-07-18. Review status: criteria provided, single submitter. Criteria: ACMG Guidelines, 2015. Collection method: clinical testing. Allele origin: germline.
Comment: This variant causes an in-frame duplication of six amino acids of the PMS2 protein. To our knowledge, functional studies have not been reported for this variant. This variant has not been reported in individuals affected with PMS2-related disorders in the literature. This variant has not been identified in the general population by the Genome Aggregation Database (gnomAD). The available evidence is insufficient to determine the role of this variant in disease conclusively. Therefore, this variant is classified as a Variant of Uncertain Significance.

Blueprint Genetics
Classification: Uncertain significance. Last evaluated: 2024-06-04. Review status: criteria provided, single submitter. Criteria: ACMG Guidelines, 2015. Collection method: clinical testing. Allele origin: germline.

Baylor Genetics
Classification: Uncertain significance for Lynch syndrome 4. Last evaluated: 2023-08-01. Review status: criteria provided, single submitter. Criteria: ACMG Guidelines, 2015. Collection method: clinical testing. Allele origin: unknown.

Sema4
Classification: Uncertain significance for Hereditary cancer-predisposing syndrome. Last evaluated: 2021-12-10. Review status: criteria provided, single submitter. Criteria: Sema4 Curation Guidelines. Collection method: curation. Allele origin: germline.
Comment: The PMS2 c.1593_1610dup (p.H532_E537dup) variant has not been reported in literature to our knowledge. This variant was not observed in the large and broad cohorts of the Genome Aggregation Database (PMID: 32461654). This variant has been reported in ClinVar (Variation ID: 127764). This variant results in a duplication of 6 not conserved amino acids, without altering the integrity of reading frame. Assessment of this duplication by in silico tools and functional studies is currently not available. The overall evidence is insufficient to meet ACMG/AMP criteria for classifying it as benign or pathogenic. In summary, the clinical significance of this variant is currently uncertain.

St. Jude Molecular Pathology, St. Jude Children's Research Hospital
Classification: Uncertain significance for Lynch syndrome. Last evaluated: 2020-10-22. Review status: criteria provided, single submitter. Criteria: St. Jude Assertion Criteria 2020. Collection method: clinical testing. Allele origin: germline.
Comment: The PMS2 c.1593_1610dupACATGTGGACTCTCAGGA (p.His532_Glu537dup) frameshift variant is absent in gnomAD v2.1.1 (PM2_Supporting). This change inserts 6 amino acids (HVDSQE) into the PMS2 protein in a nonrepeat region; however, this insertion is not located within any functionally conserved domain of the PMS2 protein (PMID: 17230503) and the duplicated residues are not well conserved throughout evolution (BP3). To our knowledge, functional studies have not been performed and this variant has not been reported in individuals with Lynch syndrome or CMMRD. In summary, this variant meets criteria to be classified as of uncertain significance based on the ACMG/AMP criteria: PM2_Supporting, BP3.

Mendelics
Classification: Uncertain significance for Lynch syndrome. Last evaluated: 2018-07-02. Review status: criteria provided, single submitter. Criteria: Mendelics Assertion Criteria 2017. Collection method: clinical testing. Allele origin: unknown.

Labcorp Genetics (formerly Invitae), Labcorp
Classification: Uncertain significance for Hereditary nonpolyposis colorectal neoplasms. Last evaluated: 2015-12-01. Review status: criteria provided, single submitter. Criteria: Invitae Variant Classification Sherloc (09022015). Collection method: clinical testing. Allele origin: germline.
Comment: This sequence change inserts 18 nucleotides in exon 11 of the PMS2 mRNA (c.1593_1610dup). This leads to the insertion of 6 amino acid residues in the PMS2 protein (p.His532_Glu537dup) but otherwise preserves the integrity of the reading frame. This variant is not present in population databases (ExAC no frequency) and has not been reported in the literature. However, ClinVar contains an entry for this variant (Variation ID: 127764). This insertion change is not located within any functionally conserved domain of the PMS2 protein (PMID: 17230503) and the duplicated residues are not well conserved throughout evolution. In summary, this variant causes amino acid residues insertion into a region that does not contain known functional domains. Although there is no evidence to suggest that this change affects protein function or causes disease, the evidence available at this time is insufficient to prove that conclusively. For these reasons, this change has been classified as a Variant of Uncertain Significance.

PreventionGenetics, part of Exact Sciences
Classification: Uncertain significance for PMS2-related condition. Last evaluated: 2024-05-10. Review status: no assertion criteria provided. Collection method: clinical testing. Allele origin: germline. Not counted in ClinVar's aggregate classification.
Comment: The PMS2 c.1593_1610dup18 variant is predicted to result in an in-frame duplication (p.His532_Glu537dup). This variant was reported in individuals with head and neck squamous cell carcinoma and breast cancer (Cury et al. 2021. PubMed ID: 34598035; Guindalini et al. 2022. PubMed ID: 35264596). This variant has not been reported in a large population database, indicating this variant is rare. This variant is interpreted as variant of uncertain significance in Clinvar. At this time, the clinical significance of this variant is uncertain due to the absence of conclusive functional and genetic evidence.